The following is an entry in ClinVar:

ClinVar aggregate classification (germline): Uncertain significance (1 of 4 stars; one submission).

Conditions:
Spastic paraplegia. Identifiers: MedGen C0037772, HP:0001258.

Allele frequency attached by ClinVar (database versions not stated): gnomAD exomes below 0.00001.
gnomAD v4.1: 4 of 1,611,374 alleles (0.00025%); highest among the groups gnomAD compares: Non-Finnish European, 0.000085%; no homozygotes.

Submission:

Labcorp Genetics (formerly Invitae), Labcorp
Classification: Uncertain significance for Spastic paraplegia. Last evaluated: 2019-03-07. Review status: criteria provided, single submitter. Criteria: Invitae Variant Classification Sherloc (09022015). Collection method: clinical testing. Allele origin: germline.
Comment: This sequence change replaces lysine with glutamic acid at codon 160 of the HSPD1 protein (p.Lys160Glu). The lysine residue is highly conserved and there is a small physicochemical difference between lysine and glutamic acid. This variant is not present in population databases (ExAC no frequency). This variant has not been reported in the literature in individuals with HSPD1-related conditions. Algorithms developed to predict the effect of missense changes on protein structure and function are either unavailable or do not agree on the potential impact of this missense change (SIFT: "Deleterious"; PolyPhen-2: "Possibly Damaging"; Align-GVGD: "Class C0"). In summary, the available evidence is currently insufficient to determine the role of this variant in disease. Therefore, it has been classified as a Variant of Uncertain Significance.

NM_002156.5(HSPD1):c.478A>G (p.Lys160Glu)

Gene: HSPD1 (heat shock protein family D (Hsp60) member 1; minus strand). Cytogenetic location: 2q33.1.
Variant type: single nucleotide variant.
Coding change: c.478A>G on transcript NM_002156.5 (MANE Select); coding-DNA position 478, A replaced by G.
Protein change: p.Lys160Glu; replaces lysine 160 with glutamic acid.
Molecular consequence: missense variant.
Genome position (GRCh38, 1-based): chr2:197,495,326, T>C on the plus strand (A>G on the coding strand, the complement: HSPD1 is on the minus strand). VCF-style: chr2-197495326-T-C. GRCh37 (hg19) VCF-style: chr2-198360050-T-C.
Other names: c.478A>G, p.Lys160Glu (NM_199440.2); short protein forms K160E.
Identifiers: ClinVar variation 847212 (VCV000847212.9), dbSNP rs2086144311, ClinGen allele CA350202890.
Genomic context (GRCh38, chr2:197,495,326, plus strand): 5'-AAAAACGTGTAACATGTTAAGTCCTTACCTGTGCAATTTCTTCAGGGGTGGTCACAGGTT[T>C]AGACTGCTTTTTAAGTTCAGCAATTACAGCATCAACAGCTAACATCACACCTAGTTCAAC-3'
Protein context (NP_002147.2, residues 150-170): AVIAELKKQS[Lys160Glu]PVTTPEEIAQ